The following is an entry in ClinVar:

NM_001163809.2(WDR81):c.195C>T (p.Ser65=)

Gene: WDR81 (WD repeat domain 81; plus strand). Cytogenetic location: 17p13.3.
Variant type: single nucleotide variant.
Coding change: c.195C>T on transcript NM_001163809.2 (MANE Select); coding-DNA position 195, C replaced by T.
Protein change: p.Ser65=; no amino-acid change (serine 65 retained).
Molecular consequence: synonymous variant. On other transcripts: intron variant (3).
Genome position (GRCh38, 1-based): chr17:1,725,154, C>T. VCF-style: chr17-1725154-C-T. GRCh37 (hg19) VCF-style: chr17-1628448-C-T.
Other names: c.-123-2836C>T (NM_152348.4); c.59-5226C>T (NM_001163673.2); c.-15+368C>T (NM_001163811.2).
Identifiers: ClinVar variation 5040918 (VCV005040918.1).

ClinVar aggregate classification (germline): Likely benign (1 of 4 stars; one submission).

gnomAD v4.1: 63 of 1,533,434 alleles (0.0041%); highest among the groups gnomAD compares: Non-Finnish European, 0.0054%; no homozygotes.

Submission:

CeGaT Center for Human Genetics Tuebingen
Classification: Likely benign. Last evaluated: 2026-09-01. Review status: criteria provided, single submitter. Criteria: CeGaT Center For Human Genetics Tuebingen Variant Classification Criteria Version 2. Collection method: clinical testing. Allele origin: germline. Affected: yes. Observed: 1 variant allele.
Comment: WDR81: BP4, BP7